The following is an entry in ClinVar:

ClinVar aggregate classification (germline): Conflicting classifications of pathogenicity. Review status: criteria provided, conflicting classifications (1 of 4 stars). 12 submissions from 12 submitters: Uncertain significance (10); Likely benign (1). 1 of the submissions does not count toward it. Last evaluated 2026-01-04.

Conditions:
ATM-related disorder. Also called: ATM-related disorders; ATM-related condition.
Hereditary cancer-predisposing syndrome. Also called: Tumor predisposition; Neoplastic Syndromes, Hereditary; Hereditary neoplastic syndrome; Hereditary Cancer Syndrome. Identifiers: Orphanet 140162, MedGen C0027672, MeSH D009386, MONDO:0015356.
Familial cancer of breast. Also called: BREAST CANCER, FAMILIAL; Hereditary breast cancer; hereditary breast carcinoma. Identifiers: Orphanet 227535, MedGen C0346153, MONDO:0016419, OMIM 114480. Disease mechanism: loss of function.
Ataxia-telangiectasia syndrome (AT). Also called: Ataxia-telangiectasia, complementation group D; AT, COMPLEMENTATION GROUP C; Cerebello-oculocutaneous telangiectasia; Immunodeficiency with ataxia telangiectasia; ATAXIA-TELANGIECTASIA, COMPLEMENTATION GROUP A; ATAXIA-TELANGIECTASIA, FRESNO VARIANT. Identifiers: Orphanet 100, MedGen C0004135, MONDO:0008840, OMIM 208900.

Allele frequency attached by ClinVar (database versions not stated): ExAC 0.00002; gnomAD exomes 0.00002; gnomAD 0.00003; TOPMed 0.00003.

Submissions (12):

Labcorp Genetics (formerly Invitae), Labcorp
Classification: Uncertain significance for Ataxia-telangiectasia syndrome. Last evaluated: 2026-01-04. Review status: criteria provided, single submitter. Criteria: Invitae Variant Classification Sherloc (09022015). Collection method: clinical testing. Allele origin: germline.
Comment: This sequence change replaces arginine, which is basic and polar, with histidine, which is basic and polar, at codon 785 of the ATM protein (p.Arg785His). This variant is present in population databases (rs587782128, gnomAD 0.006%). This variant has not been reported in the literature in individuals affected with ATM-related conditions. ClinVar contains an entry for this variant (Variation ID: 141944). Invitae Evidence Modeling of protein sequence and biophysical properties (such as structural, functional, and spatial information, amino acid conservation, physicochemical variation, residue mobility, and thermodynamic stability) indicates that this missense variant is not expected to disrupt ATM protein function with a negative predictive value of 95%. In summary, the available evidence is currently insufficient to determine the role of this variant in disease. Therefore, it has been classified as a Variant of Uncertain Significance.

PreventionGenetics, part of Exact Sciences
Classification: Uncertain significance for ATM-related condition. Last evaluated: 2025-04-18. Review status: criteria provided, single submitter. Criteria: ACMG Guidelines, 2015. Collection method: clinical testing. Allele origin: germline.
Comment: The ATM c.2354G>A variant is predicted to result in the amino acid substitution p.Arg785His. This variant was reported in individuals with renal cell carcinoma (Nguyen et al. 2023. PubMed ID: 38127826) and breast cancer (Tung et al. 2014. PubMed ID: 25186627). This variant is reported in 0.0054% of alleles in individuals of East Asian descent in gnomAD and is classified as uncertain by a majority of reporters in ClinVar. At this time, the clinical significance of this variant is uncertain due to the absence of conclusive functional and genetic evidence.

Color Diagnostics, LLC DBA Color Health
Classification: Uncertain significance for Hereditary cancer-predisposing syndrome. Last evaluated: 2024-12-11. Review status: criteria provided, single submitter. Criteria: ACMG Guidelines, 2015. Collection method: clinical testing. Allele origin: germline.
Comment: This missense variant replaces arginine with histidine at codon 785 of the ATM protein. Computational prediction suggests that this variant may not impact protein structure and function. To our knowledge, functional studies have not been reported for this variant. This variant has been reported in individuals affected with breast cancer (PMID: 25186627, 33471991). In a large international case-control study, this variant was reported in 2/60466 breast cancer cases and 1/53461 controls (PMID: 33471991). This variant has been identified in 6/251270 chromosomes in the general population by the Genome Aggregation Database (gnomAD). The available evidence is insufficient to determine the role of this variant in disease conclusively. Therefore, this variant is classified as a Variant of Uncertain Significance.

Ambry Genetics
Classification: Likely benign for Hereditary cancer-predisposing syndrome. Last evaluated: 2024-06-10. Review status: criteria provided, single submitter. Criteria: Ambry Variant Classification Scheme 2023. Collection method: clinical testing. Allele origin: germline.

Baylor Genetics
Classification: Uncertain significance for Familial cancer of breast. Last evaluated: 2024-03-19. Review status: criteria provided, single submitter. Criteria: ACMG Guidelines, 2015. Collection method: clinical testing. Allele origin: unknown.

Molecular Pathology, Peter Maccallum Cancer Centre
Classification: Uncertain significance for Ataxia-telangiectasia syndrome. Last evaluated: 2024-01-22. Review status: criteria provided, single submitter. Criteria: ACMG Guidelines, 2015. Collection method: clinical testing. Allele origin: germline. Inheritance: Autosomal recessive inheritance.

GeneDx
Classification: Uncertain significance. Last evaluated: 2023-10-17. Review status: criteria provided, single submitter. Criteria: GeneDx Variant Classification Process June 2021. Collection method: clinical testing. Allele origin: germline. Affected: yes.
Comment: Not observed at significant frequency in large population cohorts (gnomAD); In silico analysis supports that this missense variant does not alter protein structure/function; This variant is associated with the following publications: (PMID: 37450374, 29641532, 25186627)

St. Jude Molecular Pathology, St. Jude Children's Research Hospital
Classification: Uncertain significance for Familial cancer of breast. Last evaluated: 2023-03-10. Review status: criteria provided, single submitter. Criteria: St. Jude Assertion Criteria 2020. Collection method: clinical testing. Allele origin: germline.
Comment: The ATM c.2354G>A (p.Arg785His) missense has a maximum subpopulation frequency of 0.0054% in gnomAD v2.1.1. The in silico tool REVEL predicts a benign effect of this variant on protein function, and to our knowledge functional studies have not been performed. This variant was identified in an individual with breast cancer undergoing multi-gene panel testing (PMID: 25186627). It is absent in a database of women older than 70 years of age who have never had cancer (FLOSSIES database). To our knowledge, this variant has not been reported in individuals with ataxia telangiectasia. In summary, the evidence currently available is insufficient to determine the clinical significance of this variant. It has therefore been classified as of uncertain significance.

Women's Health and Genetics/Laboratory Corporation of America, LabCorp
Classification: Uncertain significance. Last evaluated: 2022-09-04. Review status: criteria provided, single submitter. Criteria: LabCorp Variant Classification Summary - May 2015. Collection method: clinical testing. Allele origin: germline.
Comment: Variant summary: ATM c.2354G>A (p.Arg785His) results in a non-conservative amino acid change in the encoded protein sequence. Four of five in-silico tools predict a benign effect of the variant on protein function. The variant allele was found at a frequency of 2.4e-05 in 251270 control chromosomes. The available data on variant occurrences in the general population are insufficient to allow any conclusion about variant significance. c.2354G>A has been reported in the literature as a VUS in settings of multigene panel testing among individuals affected with breast cancer (example, Tung_2015). These report(s) do not provide unequivocal conclusions about association of the variant with Ataxia-Telangiectasia/Breast cancer. To our knowledge, no experimental evidence demonstrating an impact on protein function has been reported. Seven clinical diagnostic laboratories have submitted clinical-significance assessments for this variant to ClinVar after 2014 without evidence for independent evaluation. All laboratories classified the variant as uncertain significance. Based on the evidence outlined above, the variant was classified as uncertain significance.

Genome-Nilou Lab
Classification: Uncertain significance for Ataxia-telangiectasia syndrome. Last evaluated: 2021-07-14. Review status: criteria provided, single submitter. Criteria: ACMG Guidelines, 2015. Collection method: clinical testing. Allele origin: germline. Affected: no.

Illumina Laboratory Services, Illumina
Classification: Uncertain significance for Ataxia-telangiectasia syndrome. Last evaluated: 2018-01-13. Review status: criteria provided, single submitter. Criteria: ICSL Variant Classification Criteria 13 December 2019. Collection method: clinical testing. Allele origin: germline.

Natera, Inc.
Classification: Uncertain significance for Ataxia-telangiectasia. Last evaluated: 2020-03-04. Review status: no assertion criteria provided. Collection method: clinical testing. Allele origin: germline. Not counted in ClinVar's aggregate classification.

Literature cited by the submitters: PubMed 25186627 (cited by 3 submitters); PubMed 33471991 (cited by Color Diagnostics, LLC DBA Color Health); PubMed 29641532 (cited by Ambry Genetics).

NM_000051.4(ATM):c.2354G>A (p.Arg785His)

Gene: ATM (ATM serine/threonine kinase; plus strand). Cytogenetic location: 11q22.3.
Variant type: single nucleotide variant.
Coding change: c.2354G>A on transcript NM_000051.4 (MANE Select); coding-DNA position 2354, G replaced by A.
Protein change: p.Arg785His; replaces arginine 785 with histidine.
Molecular consequence: missense variant.
Genome position (GRCh38, 1-based): chr11:108,257,584, G>A. VCF-style: chr11-108257584-G-A. GRCh37 (hg19) VCF-style: chr11-108128311-G-A.
Other names: c.2354G>A, p.Arg785His (NM_001351834.2); short protein forms R785H.
Identifiers: ClinVar variation 141944 (VCV000141944.40), dbSNP rs587782128, ClinGen allele CA166861.